The following is an entry in ClinVar:

NM_001004356.3(FGFRL1):c.1135G>A (p.Val379Met)

Gene: FGFRL1 (fibroblast growth factor receptor like 1; plus strand). Cytogenetic location: 4p16.3.
Variant type: single nucleotide variant.
Coding change: c.1135G>A on transcript NM_001004356.3 (MANE Select); coding-DNA position 1135, G replaced by A.
Protein change: p.Val379Met; replaces valine 379 with methionine.
Molecular consequence: missense variant.
Genome position (GRCh38, 1-based): chr4:1,024,967, G>A. VCF-style: chr4-1024967-G-A. GRCh37 (hg19) VCF-style: chr4-1018755-G-A.
Other names: c.1135G>A, p.Val379Met (NM_001004358.1, NM_001370296.1, NM_021923.3); short protein forms V379M.
Identifiers: ClinVar variation 1933331 (VCV001933331.5), dbSNP rs201440347, ClinGen allele CA2803012.

ClinVar aggregate classification (germline): Uncertain significance (1 of 4 stars; one submission).

Allele frequency attached by ClinVar (database versions not stated): gnomAD 0.00004; ExAC 0.00009.
gnomAD v4.1: 64 of 1,608,994 alleles (0.004%); highest among the groups gnomAD compares: Admixed American, 0.005%; no homozygotes.

Submission:

Labcorp Genetics (formerly Invitae), Labcorp
Classification: Uncertain significance. Last evaluated: 2025-09-13. Review status: criteria provided, single submitter. Criteria: Invitae Variant Classification Sherloc (09022015). Collection method: clinical testing. Allele origin: germline.
Comment: This sequence change replaces valine, which is neutral and non-polar, with methionine, which is neutral and non-polar, at codon 379 of the FGFRL1 protein (p.Val379Met). This variant is present in population databases (rs201440347, gnomAD 0.04%). This variant has not been reported in the literature in individuals affected with FGFRL1-related conditions. ClinVar contains an entry for this variant (Variation ID: 1933331). An algorithm developed to predict the effect of missense changes on protein structure and function (PolyPhen-2) suggests that this variant is likely to be disruptive. In summary, the available evidence is currently insufficient to determine the role of this variant in disease. Therefore, it has been classified as a Variant of Uncertain Significance.